The following is an entry in ClinVar:

ClinVar aggregate classification (germline): Uncertain significance (1 of 4 stars; one submission).

Conditions:
Amyotrophic lateral sclerosis type 1 (ALS1). Also called: AMYOTROPHIC LATERAL SCLEROSIS 1, FAMILIAL. Identifiers: Orphanet 803, MedGen C1862939, MONDO:0007103, OMIM 105400.
Perry syndrome. Also called: PARKINSONISM WITH ALVEOLAR HYPOVENTILATION AND MENTAL DEPRESSION. Identifiers: Orphanet 178509, MedGen C1868594, MONDO:0008201, OMIM 168605.
Neuronopathy, distal hereditary motor, type 7B. Also called: NEURONOPATHY, DISTAL HEREDITARY MOTOR, AUTOSOMAL DOMINANT 14; NEURONOPATHY, DISTAL HEREDITARY MOTOR, HARDING TYPE VIIB; NEUROPATHY, DISTAL HEREDITARY MOTOR, HARDING TYPE VIIB; NEUROPATHY, DISTAL HEREDITARY MOTOR, WITH VOCAL CORD PARALYSIS, HARDING TYPE VIIB; Distal Hereditary Motor Neuronopathy Type 7B (dHMN7B); HMN VIIB. Identifiers: Orphanet 139589, MedGen C1843315, MONDO:0011879, OMIM 607641.

Allele frequency attached by ClinVar (database versions not stated): gnomAD 0.00001.
gnomAD v4.1: 1 of 1,614,018 alleles (0.000062%); highest among the groups gnomAD compares: African/African-American, 0.0013%; no homozygotes.

Submission:

Labcorp Genetics (formerly Invitae), Labcorp
Classification: Uncertain significance for Amyotrophic lateral sclerosis type 1; Neuronopathy, distal hereditary motor, type 7B; Perry syndrome. Last evaluated: 2021-08-03. Review status: criteria provided, single submitter. Criteria: Invitae Variant Classification Sherloc (09022015). Collection method: clinical testing. Allele origin: germline.
Comment: In summary, the available evidence is currently insufficient to determine the role of this variant in disease. Therefore, it has been classified as a Variant of Uncertain Significance. Nucleotide substitutions within the consensus splice site are a relatively common cause of aberrant splicing (PMID: 17576681, 9536098). Algorithms developed to predict the effect of sequence changes on RNA splicing suggest that this variant may disrupt the consensus splice site. This variant has not been reported in the literature in individuals affected with DCTN1-related conditions. This variant is not present in population databases (ExAC no frequency). This sequence change falls in intron 19 of the DCTN1 gene. It does not directly change the encoded amino acid sequence of the DCTN1 protein. It affects a nucleotide within the consensus splice site of the intron.

Literature cited by the submitters: PubMed 17576681; PubMed 9536098.

NM_004082.5(DCTN1):c.2253+4A>T

Gene: DCTN1 (dynactin subunit 1; minus strand). Cytogenetic location: 2p13.1.
Variant type: single nucleotide variant.
Coding change: c.2253+4A>T on transcript NM_004082.5 (MANE Select); 4 bases into the intron after coding-DNA position 2253, A replaced by T.
Molecular consequence: intron variant.
Genome position (GRCh38, 1-based): chr2:74,367,348, T>A on the plus strand (A>T on the coding strand, the complement: DCTN1 is on the minus strand). VCF-style: chr2-74367348-T-A. GRCh37 (hg19) VCF-style: chr2-74594475-T-A.
Other names: c.2142+4A>T (NM_001190836.2); c.2184+4A>T (NM_001378992.1); c.2202+4A>T (NM_001378991.1); c.2193+4A>T (NM_001135040.3); c.2232+4A>T (NM_001190837.2); c.1851+4A>T (NM_001135041.3, NM_023019.4).
Identifiers: ClinVar variation 1408990 (VCV001408990.6), dbSNP rs1674495774, ClinGen allele CA1032267941.
Genomic context (GRCh38, chr2:74,367,348, plus strand): 5'-CTTGACCTGATGCCCTCCATTTCTGATCTCCACGGGGGCTCAATCACTGGCCCAGATACT[T>A]CACCTTAATGTGGTCAGCCAGCTGCATAGTACAGTCCTCAGGCTGTTCGGCAAGGTGGAT-3'